The following is an entry in ClinVar:

ClinVar aggregate classification (germline): Uncertain significance (1 of 4 stars; one submission).

gnomAD v4.1: 2 of 1,608,354 alleles (0.00012%); highest among the groups gnomAD compares: Non-Finnish European, 0.00017%; no homozygotes.

Submission:

Women's Health and Genetics/Laboratory Corporation of America, LabCorp
Classification: Uncertain significance. Last evaluated: 2026-01-14. Review status: criteria provided, single submitter. Criteria: LabCorp Variant Classification Summary - May 2015. Collection method: clinical testing. Allele origin: germline.
Comment: Variant summary: EP300 c.2225C>A (p.Pro742His) results in a non-conservative amino acid change in the encoded protein sequence. Algorithms developed to predict the effect of missense changes on protein structure and function are either unavailable or do not agree on the potential impact of this missense change. The variant was absent in 247452 control chromosomes. The available data on variant occurrences in the general population are insufficient to allow any conclusion about variant significance. To our knowledge, no occurrence of c.2225C>A in individuals affected with EP300-related conditions and no experimental evidence demonstrating its impact on protein function have been reported. No submitters have cited clinical-significance assessments for this variant to ClinVar. Based on the evidence outlined above, the variant was classified as uncertain significance.

NM_001429.4(EP300):c.2225C>A (p.Pro742His)

Gene: EP300 (EP300 lysine acetyltransferase; plus strand). Cytogenetic location: 22q13.2.
Variant type: single nucleotide variant.
Coding change: c.2225C>A on transcript NM_001429.4 (MANE Select); coding-DNA position 2225, C replaced by A.
Protein change: p.Pro742His; replaces proline 742 with histidine.
Molecular consequence: missense variant.
Genome position (GRCh38, 1-based): chr22:41,147,930, C>A. VCF-style: chr22-41147930-C-A. GRCh37 (hg19) VCF-style: chr22-41543934-C-A.
Other names: c.2147C>A, p.Pro716His (NM_001362843.2); short protein forms P716H, P742H.
Identifiers: ClinVar variation 4689404 (VCV004689404.1).